The following is an entry in ClinVar:

NM_000553.6(WRN):c.2069T>C (p.Leu690Pro)

Gene: WRN (WRN RecQ like helicase; plus strand). Cytogenetic location: 8p12.
Variant type: single nucleotide variant.
Coding change: c.2069T>C on transcript NM_000553.6 (MANE Select); coding-DNA position 2069, T replaced by C.
Protein change: p.Leu690Pro; replaces leucine 690 with proline.
Molecular consequence: missense variant.
Genome position (GRCh38, 1-based): chr8:31,100,936, T>C. VCF-style: chr8-31100936-T-C. GRCh37 (hg19) VCF-style: chr8-30958452-T-C.
Other names: short protein forms L690P.
Identifiers: ClinVar variation 2799469 (VCV002799469.3), dbSNP rs2535951051, ClinGen allele CA370908916.

ClinVar aggregate classification (germline): Uncertain significance (1 of 4 stars; one submission).

Conditions:
Werner syndrome (WRN). Identifiers: Orphanet 902, MedGen C0043119, MONDO:0010196, OMIM 277700.

Submission:

Labcorp Genetics (formerly Invitae), Labcorp
Classification: Uncertain significance for Werner syndrome. Last evaluated: 2023-05-09. Review status: criteria provided, single submitter. Criteria: Invitae Variant Classification Sherloc (09022015). Collection method: clinical testing. Allele origin: germline.
Comment: This sequence change replaces leucine, which is neutral and non-polar, with proline, which is neutral and non-polar, at codon 690 of the WRN protein (p.Leu690Pro). This variant is not present in population databases (gnomAD no frequency). This variant has not been reported in the literature in individuals affected with WRN-related conditions. An algorithm developed to predict the effect of missense changes on protein structure and function (PolyPhen-2) suggests that this variant is likely to be disruptive. In summary, the available evidence is currently insufficient to determine the role of this variant in disease. Therefore, it has been classified as a Variant of Uncertain Significance.